The following is an entry in ClinVar:

NM_022552.5(DNMT3A):c.1090A>G (p.Met364Val)

Gene: DNMT3A (DNA methyltransferase 3 alpha; minus strand). Cytogenetic location: 2p23.3.
Variant type: single nucleotide variant.
Coding change: c.1090A>G on transcript NM_022552.5 (MANE Select); coding-DNA position 1090, A replaced by G.
Protein change: p.Met364Val; replaces methionine 364 with valine.
Molecular consequence: missense variant. On other transcripts: non-coding transcript variant (1).
Genome position (GRCh38, 1-based): chr2:25,247,083, T>C on the plus strand (A>G on the coding strand, the complement: DNMT3A is on the minus strand). VCF-style: chr2-25247083-T-C. GRCh37 (hg19) VCF-style: chr2-25469952-T-C.
Other names: c.634A>G, p.Met212Val (NM_001320893.1); c.421A>G, p.Met141Val (NM_001375819.1); c.523A>G, p.Met175Val (NM_153759.3); c.1090A>G, p.Met364Val (NM_175629.2); short protein forms M141V, M175V, M212V, M364V.
Identifiers: ClinVar variation 4870043 (VCV004870043.1).

ClinVar aggregate classification (germline): Uncertain significance (1 of 4 stars; one submission).

Conditions:
Inborn genetic diseases. Identifiers: MedGen C0950123, MeSH D030342.

gnomAD v4.1: 1 of 1,614,138 alleles (0.000062%); highest among the groups gnomAD compares: Non-Finnish European, 0.000085%; no homozygotes.

Submission:

Ambry Genetics
Classification: Uncertain significance for Inborn genetic diseases. Last evaluated: 2026-05-26. Review status: criteria provided, single submitter. Criteria: Ambry Variant Classification Scheme 2023. Collection method: clinical testing. Allele origin: germline.
Comment: The p.M364V variant (also known as c.1090A>G), located in coding exon 8 of the DNMT3A gene, results from an A to G substitution at nucleotide position 1090. The methionine at codon 364 is replaced by valine, an amino acid with highly similar properties. This amino acid position is conserved. In addition, the in silico prediction for this alteration is inconclusive. Based on the available evidence, the clinical significance of this variant remains unclear.